The following is an entry in ClinVar:

NM_001148.6(ANK2):c.1387-226G>C

Gene: ANK2 (ankyrin 2; plus strand). Cytogenetic location: 4q26.
Variant type: single nucleotide variant.
Coding change: c.1387-226G>C on transcript NM_001148.6 (MANE Select); 226 bases into the intron before coding-DNA position 1387, G replaced by C.
Molecular consequence: intron variant.
Genome position (GRCh38, 1-based): chr4:113,264,671, G>C. VCF-style: chr4-113264671-G-C. GRCh37 (hg19) VCF-style: chr4-114185827-G-C.
Other names: c.1375-226G>C (NM_001386186.2, NM_001386148.2); c.1177-226G>C (NM_001354269.3); c.1351-226G>C (NM_001386187.2); c.1345-226G>C (NM_001386147.1, NM_001386160.1, NM_001354261.2); c.1324-226G>C (NM_001354254.2, NM_001354239.2, NM_001354252.2 and 14 more transcripts); c.1300-226G>C (NM_001354249.2, NM_001354266.2, NM_001354276.2 and 13 more transcripts); c.1102-226G>C (NM_001386157.1, NM_001354277.2, NM_001386158.1); c.1432-226G>C (NM_001354241.2, NM_001386152.1, NM_001354237.2 and 5 more transcripts); and 4 more.
Identifiers: ClinVar variation 678733 (VCV000678733.1), dbSNP rs115923415, ClinGen allele CA11657078.

ClinVar aggregate classification (germline): Likely benign (1 of 4 stars; one submission).

Allele frequency attached by ClinVar (database versions not stated): TOPMed 0.02704; gnomAD 0.02822 and 0.02840; 1000 Genomes Project 0.02915; 1000 Genomes Project 30x 0.02951.
gnomAD v4.1: 4,272 of 150,284 alleles (2.8%); highest among the groups gnomAD compares: East Asian, 6.8%; 99 homozygotes.

Submission:

GeneDx
Classification: Likely benign. Last evaluated: 2018-06-14. Review status: criteria provided, single submitter. Criteria: GeneDx Variant Classification (06012015). Collection method: clinical testing. Allele origin: germline. Affected: yes.
Comment: This variant is considered likely benign or benign based on one or more of the following criteria: it is a conservative change, it occurs at a poorly conserved position in the protein, it is predicted to be benign by multiple in silico algorithms, and/or has population frequency not consistent with disease.